The following is an entry in ClinVar:

NM_000492.4(CFTR):c.1682C>A (p.Ala561Glu)

Gene: CFTR (CF transmembrane conductance regulator; plus strand). Cytogenetic location: 7q31.2.
Variant type: single nucleotide variant.
Coding change: c.1682C>A on transcript NM_000492.4 (MANE Select); coding-DNA position 1682, C replaced by A.
Protein change: p.Ala561Glu; replaces alanine 561 with glutamic acid.
Molecular consequence: missense variant.
Genome position (GRCh38, 1-based): chr7:117,590,355, C>A. VCF-style: chr7-117590355-C-A. GRCh37 (hg19) VCF-style: chr7-117230409-C-A.
Other names: short protein forms A561E.
Identifiers: ClinVar variation 7240 (VCV000007240.26), dbSNP rs121909047, ClinGen allele CA325617.

ClinVar aggregate classification (germline): Pathogenic. Review status: reviewed by expert panel (3 of 4 stars). 14 submissions from 13 submitters: Pathogenic (1). 13 of the submissions do not count toward it. Last evaluated 2017-03-17.

Conditions:
CFTR-related disorder (CFTR-RD). Also called: CFTR-related condition; CFTR-related disorders. Identifiers: MedGen C5924204, MONDO:7770004.
Cystic fibrosis (CF). Also called: MUCOVISCIDOSIS. Identifiers: Orphanet 586, MedGen C0010674, MONDO:0009061, OMIM 219700. Disease mechanism: loss of function.
Congenital bilateral aplasia of vas deferens from CFTR mutation (CBAVD). Identifiers: Orphanet 48, MedGen C0403814, MONDO:0010178, OMIM 277180. Disease mechanism: loss of function.
Bronchiectasis with or without elevated sweat chloride 1 (BESC1). Also called: Cystic Fibrosis-Like Syndrome. Identifiers: Orphanet 60033, MedGen C2749757, MONDO:0008887, OMIM 211400.

Allele frequency attached by ClinVar (database versions not stated): gnomAD exomes 0.00001; gnomAD 0.00002; TOPMed 0.00002.
gnomAD v4.1: 6 of 1,602,010 alleles (0.00037%); highest among the groups gnomAD compares: Admixed American, 0.01%; no homozygotes.

Submissions (14):

CFTR2
Classification: Pathogenic for Cystic fibrosis. Last evaluated: 2017-03-17. Review status: reviewed by expert panel. Criteria: Sosnay PR et al. (Nat Genet 2013). Collection method: research. Allele origin: germline. Affected: yes. Study: CFTR2.

Natera, Inc.
Classification: Pathogenic for CFTR-related disorders. Last evaluated: 2025-11-26. Review status: criteria provided, single submitter. Criteria: Natera Variant Classification Schema (03/2026). Collection method: clinical testing. Allele origin: germline. Not counted in ClinVar's aggregate classification.
Comment: The c.1682C>A variant in CFTR is a missense variant predicted to cause substitution of alanine to glutamic acid at amino acid 561. This variant is rare in the general population with a frequency below the threshold expected for the associated phenotype(s). This variant has been observed in one or more individuals affected with the associated recessive disease, as either homozygous or compound heterozygous with a second variant (PMID: 15480987, 16240056). Computational prediction algorithms indicate this variant is likely to affect gene or protein function. Given the available evidence, this variant is classified as Pathogenic.

Labcorp Genetics (formerly Invitae), Labcorp
Classification: Pathogenic for Cystic fibrosis. Last evaluated: 2025-11-03. Review status: criteria provided, single submitter. Criteria: Invitae Variant Classification Sherloc (09022015). Collection method: clinical testing. Allele origin: germline. Not counted in ClinVar's aggregate classification.
Comment: This sequence change replaces alanine, which is neutral and non-polar, with glutamic acid, which is acidic and polar, at codon 561 of the CFTR protein (p.Ala561Glu). This variant is present in population databases (rs121909047, gnomAD 0.009%). This missense change has been observed in individuals with cystic fibrosis (PMID: 30996306). ClinVar contains an entry for this variant (Variation ID: 7240). An algorithm developed to predict the effect of missense changes on protein structure and function (PolyPhen-2) suggests that this variant is likely to be disruptive. Experimental studies have shown that this missense change affects CFTR function (PMID: 14623323, 23891399). For these reasons, this variant has been classified as Pathogenic.

Dasa
Classification: Pathogenic. Last evaluated: 2025-07-29. Review status: criteria provided, single submitter. Criteria: DASA Assertion Criteria. Collection method: clinical testing. Allele origin: germline. Not counted in ClinVar's aggregate classification.
Comment: NM_000492.4(CFTR):c.1682C>A (p.Ala561Glu) is a missense variant that results in the substitution of alanine with glutamic acid. The affected residue or protein region has prior evidence supporting clinical relevance. This variant has been observed in affected individuals with related phenotype in a genotype context consistent with recessive disease (PMID: 14623323; PMID: 23891399; PMID: 25489051; PMID: 23688510; PMID: 17331079). Functional evidence supports a deleterious effect on the gene or gene product (PMID: 14623323; PMID: 23891399; PMID: 25489051; PMID: 23688510; PMID: 17331079). This variant has been recurrently observed in individuals with related phenotype (PMID: 14623323; PMID: 23891399; PMID: 25489051; PMID: 23688510; PMID: 17331079). Multiple computational predictions support a deleterious effect on the gene or gene product. The variant is present at low frequency in population datasets. Based on the available data, this variant is classified as pathogenic.

Johns Hopkins Genomics, Johns Hopkins University
Classification: Pathogenic for Cystic fibrosis. Last evaluated: 2024-08-28. Review status: criteria provided, single submitter. Criteria: ACMG Guidelines, 2015. Collection method: clinical testing. Allele origin: germline. Not counted in ClinVar's aggregate classification.
Comment: Disease-causing CFTR variant. See CFTR2 for phenotype information.

Ambry Genetics
Classification: Pathogenic for Cystic fibrosis. Last evaluated: 2023-08-19. Review status: criteria provided, single submitter. Criteria: Ambry Variant Classification Scheme 2023. Collection method: clinical testing. Allele origin: germline. Not counted in ClinVar's aggregate classification.
Comment: The p.A561E pathogenic mutation (also known as c.1682C>A), located in coding exon 13 of the CFTR gene, results from a C to A substitution at nucleotide position 1682. The alanine at codon 561 is replaced by glutamic acid, an amino acid with dissimilar properties. The clinical presentation of individuals homozygous or compound heterozygous for p.A561E appears similar to individuals homozygous for p.F508del, although pulmonary disease is less severe (Mendes F et al. Biochem. Biophys. Res. Commun., 2003 Nov;311:665-71). This mutation is the second most common CFTR mutation in the Portuguese population, accounting for approximately 3% of cystic fibrosis alleles; it is a class II mutation which results in a misfolded CFTR protein that is subsequently degraded (Mendes F et al. Biochem. Biophys. Res. Commun., 2003 Nov;311:665-71; Roxo-Rosa M et al. Proc. Natl. Acad. Sci. U.S.A., 2006 Nov;103:17891-6). This amino acid position is highly conserved in available vertebrate species. In addition, this alteration is predicted to be deleterious by in silico analysis. Based on the supporting evidence, p.A561E is interpreted as a disease-causing mutation.

Baylor Genetics
Classification: Pathogenic for Bronchiectasis with or without elevated sweat chloride 1. Last evaluated: 2023-03-28. Review status: criteria provided, single submitter. Criteria: ACMG Guidelines, 2015. Collection method: clinical testing. Allele origin: unknown. Not counted in ClinVar's aggregate classification.

Quest Diagnostics Nichols Institute San Juan Capistrano
Classification: Pathogenic. Last evaluated: 2022-06-08. Review status: criteria provided, single submitter. Criteria: Quest Diagnostics criteria. Collection method: clinical testing. Allele origin: unknown. Not counted in ClinVar's aggregate classification.
Comment: The CFTR c.1682C>A (p.Ala561Glu) variant has been shown to result in severely reduced chloride conductance and CFTR processing, and a trafficking defect with protein mislocalization (PMID: 25489051 (2015), 23891399 (2014), 14623323 (2003)). The best available variant frequency is uninformative because it is below the disease allele frequency. It was found in at least one symptomatic patient. It is predicted to have a damaging effect on the protein. The variant occurs in multiple cases with a lone recessive pathogenic/likely pathogenic variant in the same gene, with phenotype known to be consistent with disease.

Women's Health and Genetics/Laboratory Corporation of America, LabCorp
Classification: Pathogenic for Cystic fibrosis. Last evaluated: 2021-09-02. Review status: criteria provided, single submitter. Criteria: LabCorp Variant Classification Summary - May 2015. Collection method: clinical testing. Allele origin: germline. Not counted in ClinVar's aggregate classification.
Comment: Variant summary: CFTR c.1682C>A (p.Ala561Glu) results in a non-conservative amino acid change located in the ABC transporter-like, ATP-binding domain (IPR003439) of the encoded protein sequence. Five of five in-silico tools predict a damaging effect of the variant on protein function. 4/4 computational tools predict no significant impact on normal splicing. However, these predictions have yet to be confirmed by functional studies. The variant allele was found at a frequency of 1.2e-05 in 250250 control chromosomes. c.1682C>A has been reported in the literature in multiple individuals affected with Cystic Fibrosis, including homozygotes (Mendes_2003, Hirtz_2004, Alonso_2007, Servidoni_2013). These data indicate that the variant is very likely to be associated with disease. Functional studies report this variant results in defects in protein trafficking and channel function (Mendes_2003, Van Goor_2014). Six ClinVar submitters (evaluation after 2014) cite the variant as pathogenic (n=5) and likely pathogenic (n=1), including one expert panel (CFTR2) classified this variant as pathogenic. Based on the evidence outlined above, the variant was classified as pathogenic.

Mendelics
Classification: Pathogenic for Cystic fibrosis. Last evaluated: 2018-11-05. Review status: criteria provided, single submitter. Criteria: Mendelics Assertion Criteria 2017. Collection method: clinical testing. Allele origin: unknown. Affected: yes. Not counted in ClinVar's aggregate classification.

CFTR-France
Classification: Pathogenic for cystic fibrosis. Last evaluated: 2018-01-29. Review status: criteria provided, single submitter. Criteria: Claustres M et al. (Hum Mutat 2017). Collection method: curation. Allele origin: germline. Affected: yes. Not counted in ClinVar's aggregate classification.

Baylor Genetics
Classification: Pathogenic for Congenital bilateral aplasia of vas deferens from CFTR mutation; Cystic fibrosis. Review status: criteria provided, single submitter. Criteria: ACMG Guidelines, 2015. Collection method: clinical testing. Allele origin: germline. Not counted in ClinVar's aggregate classification.

Counsyl
Classification: Pathogenic for Cystic fibrosis. Last evaluated: 2018-01-04. Review status: no assertion criteria provided. Collection method: clinical testing. Allele origin: unknown. Not counted in ClinVar's aggregate classification.

OMIM
Classification: Pathogenic for CYSTIC FIBROSIS. Last evaluated: 2003-11-21. Review status: no assertion criteria provided. Collection method: literature only. Allele origin: germline. Not counted in ClinVar's aggregate classification.

Literature cited by the submitters: PubMed 15480987 (cited by 5 submitters); PubMed 16240056 (cited by 3 submitters); PubMed 30996306 (cited by Labcorp Genetics (formerly Invitae), Labcorp); PubMed 14623323 (cited by 8 submitters); PubMed 23891399 (cited by 5 submitters); PubMed 25489051 (cited by Dasa and Quest Diagnostics Nichols Institute San Juan Capistrano); PubMed 23688510 (cited by 3 submitters); PubMed 17331079 (cited by 3 submitters); PubMed 17098864 (cited by Ambry Genetics); PubMed 9439669 (cited by Quest Diagnostics Nichols Institute San Juan Capistrano); PubMed 18456578 (cited by Quest Diagnostics Nichols Institute San Juan Capistrano); PubMed 21909392 (cited by Quest Diagnostics Nichols Institute San Juan Capistrano and Women's Health and Genetics/Laboratory Corporation of America, LabCorp); PubMed 15300780 (cited by Quest Diagnostics Nichols Institute San Juan Capistrano and Counsyl); PubMed 31036917 (cited by Quest Diagnostics Nichols Institute San Juan Capistrano); PubMed 10923036 (cited by Quest Diagnostics Nichols Institute San Juan Capistrano and Counsyl); PubMed 26708955 (cited by Counsyl).